The following is an entry in ClinVar:

ClinVar aggregate classification (germline): Uncertain significance (1 of 4 stars; one submission).

Submission:

Labcorp Genetics (formerly Invitae), Labcorp
Classification: Uncertain significance. Last evaluated: 2023-07-03. Review status: criteria provided, single submitter. Criteria: Invitae Variant Classification Sherloc (09022015). Collection method: clinical testing. Allele origin: germline.
Comment: This sequence change replaces arginine, which is basic and polar, with glycine, which is neutral and non-polar, at codon 143 of the RPL15 protein (p.Arg143Gly). This variant is not present in population databases (gnomAD no frequency). This variant has not been reported in the literature in individuals affected with RPL15-related conditions. An algorithm developed to predict the effect of missense changes on protein structure and function (PolyPhen-2) suggests that this variant is likely to be tolerated. In summary, the available evidence is currently insufficient to determine the role of this variant in disease. Therefore, it has been classified as a Variant of Uncertain Significance.

NM_002948.5(RPL15):c.427A>G (p.Arg143Gly)

Genes: NKIRAS1 (NFKB inhibitor interacting Ras like 1; minus strand), RPL15 (ribosomal protein L15; plus strand). Cytogenetic location: 3p24.2.
Variant type: single nucleotide variant.
Coding change: c.427A>G on transcript NM_002948.5 (MANE Select); coding-DNA position 427, A replaced by G.
Protein change: p.Arg143Gly; replaces arginine 143 with glycine.
Molecular consequence: missense variant. On other transcripts: intron variant (2).
Genome position (GRCh38, 1-based): chr3:23,919,313, A>G. VCF-style: chr3-23919313-A-G. GRCh37 (hg19) VCF-style: chr3-23960804-A-G.
Other names: c.427A>G, p.Arg143Gly (NM_001253379.2, NM_001253380.2, NM_001253382.2 and 1 more transcripts); c.-139-7863T>C (NM_001377380.1); c.360+67A>G (NM_001253384.2); short protein forms R143G.
Identifiers: ClinVar variation 2798464 (VCV002798464.3), dbSNP rs1301264124, ClinGen allele CA351882284.